The following is an entry in ClinVar:

NM_001845.6(COL4A1):c.2113G>A (p.Gly705Arg)

Gene: COL4A1 (collagen type IV alpha 1 chain; minus strand). Cytogenetic location: 13q34.
Variant type: single nucleotide variant.
Coding change: c.2113G>A on transcript NM_001845.6 (MANE Select); coding-DNA position 2113, G replaced by A.
Protein change: p.Gly705Arg; replaces glycine 705 with arginine.
Molecular consequence: missense variant.
Genome position (GRCh38, 1-based): chr13:110,181,372, C>T on the plus strand (G>A on the coding strand, the complement: COL4A1 is on the minus strand). VCF-style: chr13-110181372-C-T. GRCh37 (hg19) VCF-style: chr13-110833719-C-T.
Other names: short protein forms G705R.
Identifiers: ClinVar variation 2009721 (VCV002009721.4), dbSNP rs2501788055, ClinGen allele CA388668995.
Genomic context (GRCh38, chr13:110,181,372, plus strand): 5'-GGTTCCCAGGTAAGCCATTAAATCCCGGGCGACCTGGAGTCCCCGGTGGCCCCATGTCTC[C>T]AGGTAAGCCGTCAACACCTGTTTTAAAGAGTCAAAAAAAAAAAACAAACAAACAATCATT-3'
Protein context (NP_001836.3, residues 695-715): PGPKGVDGLP[Gly705Arg]DMGPPGTPGR

ClinVar aggregate classification (germline): Likely pathogenic (1 of 4 stars; one submission).

Submission:

Labcorp Genetics (formerly Invitae), Labcorp
Classification: Likely pathogenic. Last evaluated: 2022-06-23. Review status: criteria provided, single submitter. Criteria: Invitae Variant Classification Sherloc (09022015). Collection method: clinical testing. Allele origin: germline.
Comment: This variant disrupts the triple helix domain of COL4A1. Glycine residues within the Gly-Xaa-Yaa repeats of the triple helix domain are required for the structure and stability of fibrillar collagens (PMID: 7695699, 8218237, 19344236). In COL4A1 variants affecting these glycine residues are significantly enriched in individuals with disease (PMID: 9016532, 17078022) compared to the general population (ExAC). In summary, the currently available evidence indicates that the variant is pathogenic, but additional data are needed to prove that conclusively. Therefore, this variant has been classified as Likely Pathogenic. Advanced modeling of protein sequence and biophysical properties (such as structural, functional, and spatial information, amino acid conservation, physicochemical variation, residue mobility, and thermodynamic stability) performed at Invitae indicates that this missense variant is expected to disrupt COL4A1 protein function. This variant has not been reported in the literature in individuals affected with COL4A1-related conditions. This variant is not present in population databases (gnomAD no frequency). This sequence change replaces glycine, which is neutral and non-polar, with arginine, which is basic and polar, at codon 705 of the COL4A1 protein (p.Gly705Arg).

Literature cited by the submitters: PubMed 7695699; PubMed 8218237; PubMed 19344236; PubMed 9016532; PubMed 17078022.